The following is an entry in ClinVar:

ClinVar aggregate classification (germline): Uncertain significance. Review status: criteria provided, multiple submitters, no conflicts (2 of 4 stars). 2 submissions from 2 submitters: Uncertain significance (2). Last evaluated 2025-07-14.

Conditions:
Inborn genetic diseases. Identifiers: MedGen C0950123, MeSH D030342.

Allele frequency attached by ClinVar (database versions not stated): gnomAD 0.00001; gnomAD exomes 0.00002; TOPMed 0.00002.

Submissions (2):

Labcorp Genetics (formerly Invitae), Labcorp
Classification: Uncertain significance. Last evaluated: 2025-07-14. Review status: criteria provided, single submitter. Criteria: Invitae Variant Classification Sherloc (09022015). Collection method: clinical testing. Allele origin: germline.
Comment: This sequence change replaces alanine, which is neutral and non-polar, with valine, which is neutral and non-polar, at codon 182 of the CDK13 protein (p.Ala182Val). This variant is not present in population databases (gnomAD no frequency). This variant has not been reported in the literature in individuals affected with CDK13-related conditions. ClinVar contains an entry for this variant (Variation ID: 2394644). Invitae Evidence Modeling of protein sequence and biophysical properties (such as structural, functional, and spatial information, amino acid conservation, physicochemical variation, residue mobility, and thermodynamic stability) indicates that this missense variant is not expected to disrupt CDK13 protein function with a negative predictive value of 95%. In summary, the available evidence is currently insufficient to determine the role of this variant in disease. Therefore, it has been classified as a Variant of Uncertain Significance.

Ambry Genetics
Classification: Uncertain significance for Inborn genetic diseases. Last evaluated: 2021-04-28. Review status: criteria provided, single submitter. Criteria: Ambry Variant Classification Scheme 2023. Collection method: clinical testing. Allele origin: germline.

NM_003718.5(CDK13):c.545C>T (p.Ala182Val)

Gene: CDK13 (cyclin dependent kinase 13; plus strand). Cytogenetic location: 7p14.1.
Variant type: single nucleotide variant.
Coding change: c.545C>T on transcript NM_003718.5 (MANE Select); coding-DNA position 545, C replaced by T.
Protein change: p.Ala182Val; replaces alanine 182 with valine.
Molecular consequence: missense variant.
Genome position (GRCh38, 1-based): chr7:39,951,186, C>T. VCF-style: chr7-39951186-C-T. GRCh37 (hg19) VCF-style: chr7-39990785-C-T.
Other names: c.545C>T, p.Ala182Val (NM_031267.4); short protein forms A182V.
Identifiers: ClinVar variation 2394644 (VCV002394644.3), dbSNP rs1295697771, ClinGen allele CA367309960.